The following is an entry in ClinVar:

NM_000138.5(FBN1):c.2007G>T (p.Gln669His)

Gene: FBN1 (fibrillin 1; minus strand). Cytogenetic location: 15q21.1.
Variant type: single nucleotide variant.
Coding change: c.2007G>T on transcript NM_000138.5 (MANE Select); coding-DNA position 2007, G replaced by T.
Protein change: p.Gln669His; replaces glutamine 669 with histidine.
Molecular consequence: missense variant.
Genome position (GRCh38, 1-based): chr15:48,503,893, C>A on the plus strand (G>T on the coding strand, the complement: FBN1 is on the minus strand). VCF-style: chr15-48503893-C-A. GRCh37 (hg19) VCF-style: chr15-48796090-C-A.
Other names: c.2007G>T, p.Gln669His (NM_001406716.1); short protein forms Q669H.
Identifiers: ClinVar variation 4789668 (VCV004789668.1).

ClinVar aggregate classification (germline): Uncertain significance (1 of 4 stars; one submission).

Conditions:
Marfan syndrome (MFS). Also called: FBN1-Related Marfan Syndrome; MARFAN SYNDROME, TYPE I; Marfan syndrome type 1; Marfan's syndrome; Marfan syndrome, classic. Identifiers: Orphanet 284963, Orphanet 558, MedGen C0024796, MONDO:0007947, OMIM 154700.
Familial thoracic aortic aneurysm and aortic dissection (TAAD). Also called: Thoracic aortic aneurysms and dissections. Identifiers: Orphanet 91387, MedGen C4707243, MONDO:0019625.

Submission:

Labcorp Genetics (formerly Invitae), Labcorp
Classification: Uncertain significance for Marfan syndrome; Familial thoracic aortic aneurysm and aortic dissection. Last evaluated: 2025-12-17. Review status: criteria provided, single submitter. Criteria: Invitae Variant Classification Sherloc (09022015). Collection method: clinical testing. Allele origin: germline.
Comment: This sequence change replaces glutamine, which is neutral and polar, with histidine, which is basic and polar, at codon 669 of the FBN1 protein (p.Gln669His). This variant is not present in population databases (gnomAD no frequency). This variant has not been reported in the literature in individuals affected with FBN1-related conditions. Invitae Evidence Modeling of protein sequence and biophysical properties (such as structural, functional, and spatial information, amino acid conservation, physicochemical variation, residue mobility, and thermodynamic stability) has been performed for this missense variant. However, the output from this modeling did not meet the statistical confidence thresholds required to predict the impact of this variant on FBN1 protein function. In summary, the available evidence is currently insufficient to determine the role of this variant in disease. Therefore, it has been classified as a Variant of Uncertain Significance.